The following is an entry in ClinVar:

NM_000179.3(MSH6):c.642_643delinsTA (p.Val215Ile)

Gene: MSH6 (mutS homolog 6; plus strand). Cytogenetic location: 2p16.3.
Variant type: Indel.
Coding change: c.642_643delinsTA on transcript NM_000179.3 (MANE Select); coding-DNA positions 642 to 643, CG replaced by TA.
Protein change: p.Val215Ile; replaces valine 215 with isoleucine.
Molecular consequence: missense variant. On other transcripts: 5 prime UTR variant (2).
Genome position (GRCh38, 1-based): chr2:47,798,625-47,798,626, CG replaced by TA. VCF-style: chr2-47798625-CG-TA. GRCh37 (hg19) VCF-style: chr2-48025764-CG-TA.
Other names: c.252_253delinsTA, p.Val85Ile (NM_001281492.2); c.-265_-264delinsTA (NM_001281493.2, NM_001281494.2); short protein forms V215I, V85I.
Identifiers: ClinVar variation 958041 (VCV000958041.11), dbSNP rs1669239621, ClinGen allele CA1139657002.

ClinVar aggregate classification (germline): Likely benign. Review status: criteria provided, multiple submitters, no conflicts (2 of 4 stars). 2 submissions from 2 submitters: Likely benign (2). Last evaluated 2025-07-19.

Conditions:
Lynch syndrome 5 (LYNCH5). Also called: Hereditary non-polyposis colorectal cancer, type 5; Colorectal cancer, hereditary nonpolyposis, type 5. Identifiers: Orphanet 144, MedGen C1833477, MONDO:0013710, OMIM 614350. Disease mechanism: loss of function.
Hereditary nonpolyposis colorectal neoplasms. Identifiers: MedGen C0009405, MeSH D003123.

Submissions (2):

Labcorp Genetics (formerly Invitae), Labcorp
Classification: Likely benign for Hereditary nonpolyposis colorectal neoplasms. Last evaluated: 2025-07-19. Review status: criteria provided, single submitter. Criteria: Invitae Variant Classification Sherloc (09022015). Collection method: clinical testing. Allele origin: germline.

Myriad Genetics, Inc.
Classification: Likely benign for Lynch syndrome 5. Last evaluated: 2024-12-19. Review status: criteria provided, single submitter. Criteria: Myriad Autosomal Dominant, Autosomal Recessive and X-Linked Classification Criteria (2023). Collection method: clinical testing. Allele origin: unknown.
Comment: This variant is considered likely benign. This variant is strongly associated with less severe personal and family histories of cancer, typical for individuals without pathogenic variants in this gene [PMID: 27363726].

Literature cited by the submitters: PubMed 27363726 (cited by Myriad Genetics, Inc.).